The following is an entry in ClinVar:

NM_001572.5(IRF7):c.913G>A (p.Val305Met)

Gene: IRF7 (interferon regulatory factor 7; minus strand). Cytogenetic location: 11p15.5.
Variant type: single nucleotide variant.
Coding change: c.913G>A on transcript NM_001572.5 (MANE Select); coding-DNA position 913, G replaced by A.
Protein change: p.Val305Met; replaces valine 305 with methionine.
Molecular consequence: missense variant.
Genome position (GRCh38, 1-based): chr11:613,530, C>T on the plus strand (G>A on the coding strand, the complement: IRF7 is on the minus strand). VCF-style: chr11-613530-C-T. GRCh37 (hg19) VCF-style: chr11-613530-C-T.
Other names: c.826G>A, p.Val276Met (NM_004029.4); c.952G>A, p.Val318Met (NM_004031.4); short protein forms V305M, V318M, V276M.
Identifiers: ClinVar variation 1359240 (VCV001359240.8), dbSNP rs1311792827, ClinGen allele CA378979542.

ClinVar aggregate classification (germline): Uncertain significance (1 of 4 stars; one submission).

Conditions:
Immunodeficiency 39 (IMD39). Identifiers: Orphanet 574918, MedGen C4225358, MONDO:0014597, OMIM 616345.

Allele frequency attached by ClinVar (database versions not stated): gnomAD exomes below 0.00001; TOPMed below 0.00001; gnomAD 0.00001.
gnomAD v4.1: 5 of 1,569,756 alleles (0.00032%); highest among the groups gnomAD compares: Non-Finnish European, 0.00043%; no homozygotes.

Submission:

Labcorp Genetics (formerly Invitae), Labcorp
Classification: Uncertain significance for Immunodeficiency 39. Last evaluated: 2023-11-28. Review status: criteria provided, single submitter. Criteria: Invitae Variant Classification Sherloc (09022015). Collection method: clinical testing. Allele origin: germline.
Comment: This sequence change replaces valine, which is neutral and non-polar, with methionine, which is neutral and non-polar, at codon 318 of the IRF7 protein (p.Val318Met). This variant is not present in population databases (gnomAD no frequency). This variant has not been reported in the literature in individuals affected with IRF7-related conditions. ClinVar contains an entry for this variant (Variation ID: 1359240). Advanced modeling of protein sequence and biophysical properties (such as structural, functional, and spatial information, amino acid conservation, physicochemical variation, residue mobility, and thermodynamic stability) performed at Invitae indicates that this missense variant is expected to disrupt IRF7 protein function with a positive predictive value of 80%. In summary, the available evidence is currently insufficient to determine the role of this variant in disease. Therefore, it has been classified as a Variant of Uncertain Significance.